The following is an entry in ClinVar:

NM_000153.4(GALC):c.2056T>C (p.Ter686Gln)

Gene: GALC (galactosylceramidase; minus strand). Cytogenetic location: 14q31.3.
Variant type: single nucleotide variant.
Coding change: c.2056T>C on transcript NM_000153.4 (MANE Select); coding-DNA position 2056, T replaced by C.
Protein change: p.Ter686Gln.
Molecular consequence: stop lost.
Genome position (GRCh38, 1-based): chr14:87,934,734, A>G on the plus strand (T>C on the coding strand, the complement: GALC is on the minus strand). VCF-style: chr14-87934734-A-G. GRCh37 (hg19) VCF-style: chr14-88401078-A-G.
Other names: c.1987T>C, p.Ter663Gln (NM_001201401.2); c.1978T>C, p.Ter660Gln (NM_001201402.2); c.2056T>C (NM_000153.3).
Identifiers: ClinVar variation 1066870 (VCV001066870.15), dbSNP rs1406731723, ClinGen allele CA390745072.

ClinVar aggregate classification (germline): Pathogenic/Likely pathogenic. Review status: criteria provided, multiple submitters, no conflicts (2 of 4 stars). 4 submissions from 4 submitters: Pathogenic (1); Likely pathogenic (3). Last evaluated 2026-09-24.

Conditions:
Galactosylceramide beta-galactosidase deficiency. Also called: Leukodystrophy, Globoid Cell; Krabbe Disease; GALACTOCEREBROSIDASE DEFICIENCY; GALC DEFICIENCY; GLOBOID CELL LEUKOENCEPHALOPATHY. Identifiers: Orphanet 487, MedGen C0023521, MONDO:0009499, OMIM 245200.

Allele frequency attached by ClinVar (database versions not stated): TOPMed 0.00001; gnomAD exomes below 0.00001.
gnomAD v4.1: 7 of 1,613,174 alleles (0.00043%); highest among the groups gnomAD compares: Admixed American, 0.005%; no homozygotes.

Submissions (4):

GeneDx
Classification: Likely pathogenic. Last evaluated: 2026-09-24. Review status: criteria provided, single submitter. Criteria: GeneDx Variant Classification Process June 2021. Collection method: clinical testing. Allele origin: germline.
Comment: Stop codon loss and change to a glutamine codon, leading to protein extension and the addition of 42 amino acids at the C-terminus; Not observed at significant frequency in large population cohorts (gnomAD); Also known as c.2008T>C, p.(*670Qext42); This variant is associated with the following publications: (PMID: 26795590, 30777126, 40560063)

Natera, Inc.
Classification: Likely pathogenic for Galactosylceramide beta-galactosidase deficiency. Last evaluated: 2025-09-24. Review status: criteria provided, single submitter. Criteria: Natera Variant Classification Schema (03/2026). Collection method: clinical testing. Allele origin: germline.
Comment: The c.2056T>C variant in GALC is a stop-loss variant predicted to disrupt the normal termination codon and extend translation beyond the canonical stop site. This variant is rare in the general population with a frequency below the threshold expected for the associated phenotype(s). This variant has been observed in one or more individuals affected with the associated recessive disease, as either homozygous or compound heterozygous with a second variant (PMID: 30777126). Given the available evidence, this variant is classified as Likely Pathogenic.

Labcorp Genetics (formerly Invitae), Labcorp
Classification: Pathogenic for Galactosylceramide beta-galactosidase deficiency. Last evaluated: 2025-09-19. Review status: criteria provided, single submitter. Criteria: Invitae Variant Classification Sherloc (09022015). Collection method: clinical testing. Allele origin: germline.
Comment: This sequence change disrupts the translational stop signal of the GALC mRNA. It is expected to extend the length of the GALC protein by 42 additional amino acid residues. This variant is present in population databases (no rsID available, gnomAD 0.003%). This protein extension has been observed in individual(s) with Krabbe disease (PMID: 26795590, 30777126; internal data). In at least one individual the data is consistent with being in trans (on the opposite chromosome) from a pathogenic variant. This variant is also known as c.2008T>C; p.*670Qext42. ClinVar contains an entry for this variant (Variation ID: 1066870). Experimental studies and prediction algorithms are not available or were not evaluated, and the functional significance of this variant is currently unknown. For these reasons, this variant has been classified as Pathogenic.

Fulgent Genetics
Classification: Likely pathogenic for Galactosylceramide beta-galactosidase deficiency. Last evaluated: 2024-05-31. Review status: criteria provided, single submitter. Criteria: ACMG Guidelines, 2015. Collection method: clinical testing. Allele origin: germline.

Literature cited by the submitters: PubMed 30777126 (cited by Natera, Inc. and Labcorp Genetics (formerly Invitae), Labcorp); PubMed 26795590 (cited by Labcorp Genetics (formerly Invitae), Labcorp).